The following is an entry in ClinVar:

ClinVar aggregate classification (germline): Uncertain significance. Review status: criteria provided, multiple submitters, no conflicts (2 of 4 stars). 2 submissions from 2 submitters: Uncertain significance (2). Last evaluated 2025-05-04.

Conditions:
Hereditary cancer-predisposing syndrome. Also called: Tumor predisposition; Hereditary neoplastic syndrome; Neoplastic Syndromes, Hereditary; Hereditary Cancer Syndrome. Identifiers: Orphanet 140162, MedGen C0027672, MeSH D009386, MONDO:0015356.
Fanconi anemia complementation group J. Also called: BRIP1-Related Fanconi Anemia. Identifiers: Orphanet 84, MedGen C1836860, MONDO:0012187, OMIM 609054.
Familial cancer of breast. Also called: Hereditary breast cancer; BREAST CANCER, FAMILIAL; hereditary breast carcinoma. Identifiers: Orphanet 227535, MedGen C0346153, MONDO:0016419, OMIM 114480. Disease mechanism: loss of function.

Allele frequency attached by ClinVar (database versions not stated): gnomAD exomes below 0.00001.
gnomAD v4.1: 1 of 1,613,684 alleles (0.000062%); highest among the groups gnomAD compares: African/African-American, 0.0013%; no homozygotes.

Submissions (2):

Ambry Genetics
Classification: Uncertain significance for Hereditary cancer-predisposing syndrome. Last evaluated: 2025-05-04. Review status: criteria provided, single submitter. Criteria: Ambry Variant Classification Scheme 2023. Collection method: clinical testing. Allele origin: germline.
Comment: The p.T900S variant (also known as c.2699C>G), located in coding exon 18 of the BRIP1 gene, results from a C to G substitution at nucleotide position 2699. The threonine at codon 900 is replaced by serine, an amino acid with similar properties. This amino acid position is conserved. In addition, this alteration is predicted to be tolerated by in silico analysis. Since supporting evidence is limited at this time, the clinical significance of this alteration remains unclear.

Labcorp Genetics (formerly Invitae), Labcorp
Classification: Uncertain significance for Familial cancer of breast; Fanconi anemia complementation group J. Last evaluated: 2021-08-28. Review status: criteria provided, single submitter. Criteria: Invitae Variant Classification Sherloc (09022015). Collection method: clinical testing. Allele origin: germline.
Comment: This sequence change replaces threonine with serine at codon 900 of the BRIP1 protein (p.Thr900Ser). The threonine residue is weakly conserved and there is a small physicochemical difference between threonine and serine. This variant is not present in population databases (ExAC no frequency). This variant has not been reported in the literature in individuals affected with BRIP1-related conditions. Algorithms developed to predict the effect of missense changes on protein structure and function (SIFT, PolyPhen-2, Align-GVGD) all suggest that this variant is likely to be tolerated. In summary, the available evidence is currently insufficient to determine the role of this variant in disease. Therefore, it has been classified as a Variant of Uncertain Significance.

NM_032043.3(BRIP1):c.2699C>G (p.Thr900Ser)

Gene: BRIP1 (BRCA1 interacting DNA helicase 1; minus strand). Cytogenetic location: 17q23.2.
Variant type: single nucleotide variant.
Coding change: c.2699C>G on transcript NM_032043.3 (MANE Select); coding-DNA position 2699, C replaced by G.
Protein change: p.Thr900Ser; replaces threonine 900 with serine.
Molecular consequence: missense variant.
Genome position (GRCh38, 1-based): chr17:61,686,042, G>C on the plus strand (C>G on the coding strand, the complement: BRIP1 is on the minus strand). VCF-style: chr17-61686042-G-C. GRCh37 (hg19) VCF-style: chr17-59763403-G-C.
Other names: short protein forms T900S.
Identifiers: ClinVar variation 1521712 (VCV001521712.9), dbSNP rs1359809807, ClinGen allele CA400481714.
Genomic context (GRCh38, chr17:61,686,042, plus strand): 5'-GGTGAGGTACTGTACTTTAAAGAGGTCACTTCAAGTGTAGACTCATTGTCCTGTATATTG[G>C]TTCTGTCCTTTATGGATACATTAAGAACTTTTTGATGCTTTTTGGAAAATTCAGCCAAGG-3'
Protein context (NP_114432.2, residues 890-910): KVLNVSIKDR[Thr900Ser]NIQDNESTLE